The following is an entry in ClinVar:

ClinVar aggregate classification (germline): Benign (1 of 4 stars; one submission).

Allele frequency attached by ClinVar (database versions not stated): gnomAD exomes 0.52457; gnomAD 0.55487; TOPMed 0.57346; 1000 Genomes Project 0.60663; 1000 Genomes Project 30x 0.60821.
gnomAD v4.1: 705,195 of 1,335,424 alleles (53%); highest among the groups gnomAD compares: Admixed American, 69%; 184,858 homozygotes.

Submission:

Unidad de Genómica Garrahan, Hospital de Pediatría Garrahan
Classification: Benign. Last evaluated: 2023-11-12. Review status: criteria provided, single submitter. Criteria: ACMG Guidelines, 2015. Collection method: clinical testing. Allele origin: germline. Affected: no. Observed: 66 variant alleles.
Comment: This variant is classified as Benign based on local population frequency. This variant was detected in 69% of patients studied by a panel of primary immunodeficiencies. Number of patients: 66. Only high quality variants are reported.

NM_031483.7(ITCH):c.212+91G>T

Gene: ITCH (itchy E3 ubiquitin protein ligase; plus strand). Cytogenetic location: 20q11.22.
Variant type: single nucleotide variant.
Coding change: c.212+91G>T on transcript NM_031483.7 (MANE Select); 91 bases into the intron after coding-DNA position 212, G replaced by T.
Molecular consequence: intron variant.
Genome position (GRCh38, 1-based): chr20:34,408,883, G>T. VCF-style: chr20-34408883-G-T. GRCh37 (hg19) VCF-style: chr20-32996689-G-T.
Other names: c.212+91G>T (NM_001324197.2, NM_001324198.2, NM_001257137.3); c.-118-3632G>T (NM_001257138.3).
Identifiers: ClinVar variation 2628133 (VCV002628133.2), dbSNP rs3761147, ClinGen allele CA313404188.